The following is an entry in ClinVar:

ClinVar aggregate classification (germline): Benign (1 of 4 stars; one submission).

Conditions:
Erythrocytosis, familial, 4 (ECYT4). Identifiers: Orphanet 247511, MedGen C2673187, MONDO:0012729, OMIM 611783.

Allele frequency attached by ClinVar (database versions not stated): gnomAD 0.04965 and 0.05328; 1000 Genomes Project 0.05990; TOPMed 0.05550; 1000 Genomes Project 30x 0.06277.

Submission:

Illumina Laboratory Services, Illumina
Classification: Benign for Erythrocytosis, familial, 4. Last evaluated: 2018-01-12. Review status: criteria provided, single submitter. Criteria: ICSL Variant Classification Criteria 13 December 2019. Collection method: clinical testing. Allele origin: germline.
Comment: This variant was observed in the ICSL laboratory as part of a predisposition screen in an ostensibly healthy population. It had not been previously curated by ICSL or reported in the Human Gene Mutation Database (HGMD: prior to June 1st, 2018), and was therefore a candidate for classification through an automated scoring system. Utilizing variant allele frequency, disease prevalence and penetrance estimates, and inheritance mode, an automated score was calculated to assess if this variant is too frequent to cause the disease. Based on the score and internal cut-off values, a variant classified as benign is not then subjected to further curation. The score for this variant resulted in a classification of benign for this disease.

NM_001430.5(EPAS1):c.*853G>A

Gene: EPAS1 (endothelial PAS domain protein 1; plus strand). Cytogenetic location: 2p21.
Variant type: single nucleotide variant.
Coding change: c.*853G>A on transcript NM_001430.5 (MANE Select); 853 bases downstream of the stop codon, G replaced by A.
Molecular consequence: 3 prime UTR variant.
Genome position (GRCh38, 1-based): chr2:46,385,513, G>A. VCF-style: chr2-46385513-G-A. GRCh37 (hg19) VCF-style: chr2-46612652-G-A.
Identifiers: ClinVar variation 336303 (VCV000336303.5), dbSNP rs10495933, ClinGen allele CA10613974.